The following is an entry in ClinVar:

ClinVar aggregate classification (germline): Uncertain significance (1 of 4 stars; one submission).

Conditions:
Lymphoproliferative syndrome 2 (LPFS2). Also called: Combined immunodeficiency due to CD27 deficiency; CD27 DEFICIENCY. Identifiers: Orphanet 238505, MedGen C3554540, MONDO:0014054, OMIM 615122.

Allele frequency attached by ClinVar (database versions not stated): gnomAD exomes 0.00001.
gnomAD v4.1: 4 of 1,614,168 alleles (0.00025%); highest among the groups gnomAD compares: Admixed American, 0.0033%; no homozygotes.

Submission:

Labcorp Genetics (formerly Invitae), Labcorp
Classification: Uncertain significance for Lymphoproliferative syndrome 2. Last evaluated: 2024-03-23. Review status: criteria provided, single submitter. Criteria: Invitae Variant Classification Sherloc (09022015). Collection method: clinical testing. Allele origin: germline.
Comment: This sequence change replaces phenylalanine, which is neutral and non-polar, with leucine, which is neutral and non-polar, at codon 196 of the CD27 protein (p.Phe196Leu). This variant is present in population databases (no rsID available, gnomAD 0.006%). This variant has not been reported in the literature in individuals affected with CD27-related conditions. ClinVar contains an entry for this variant (Variation ID: 1010640). Advanced modeling of protein sequence and biophysical properties (such as structural, functional, and spatial information, amino acid conservation, physicochemical variation, residue mobility, and thermodynamic stability) performed at Invitae indicates that this missense variant is not expected to disrupt CD27 protein function with a negative predictive value of 80%. In summary, the available evidence is currently insufficient to determine the role of this variant in disease. Therefore, it has been classified as a Variant of Uncertain Significance.

NM_001242.5(CD27):c.586T>C (p.Phe196Leu)

Genes: CD27 (CD27 molecule; plus strand), CD27-AS1 (CD27 antisense RNA 1; minus strand), LOC130007242 (ATAC-STARR-seq lymphoblastoid active region 5859; plus strand). Cytogenetic location: 12p13.31.
Variant type: single nucleotide variant.
Coding change: c.586T>C on transcript NM_001242.5 (MANE Select); coding-DNA position 586, T replaced by C.
Protein change: p.Phe196Leu; replaces phenylalanine 196 with leucine.
Molecular consequence: missense variant. On other transcripts: non-coding transcript variant (1).
Genome position (GRCh38, 1-based): chr12:6,450,942, T>C. VCF-style: chr12-6450942-T-C. GRCh37 (hg19) VCF-style: chr12-6560108-T-C.
Other names: short protein forms F196L.
Identifiers: ClinVar variation 1010640 (VCV001010640.9), dbSNP rs1281975793, ClinGen allele CA383551188.